The following is an entry in ClinVar:

ClinVar aggregate classification (germline): Likely benign. Review status: criteria provided, multiple submitters, no conflicts (2 of 4 stars). 3 submissions from 3 submitters: Likely benign (3). Last evaluated 2024-10-26.

Allele frequency attached by ClinVar (database versions not stated): gnomAD exomes 0.00002; ExAC 0.00003; TOPMed 0.00003; gnomAD 0.00004 and 0.00005.
gnomAD v4.1: 58 of 1,613,954 alleles (0.0036%); highest among the groups gnomAD compares: Middle Eastern, 0.033%; no homozygotes.

Submissions (3):

Labcorp Genetics (formerly Invitae), Labcorp
Classification: Likely benign. Last evaluated: 2024-10-26. Review status: criteria provided, single submitter. Criteria: Invitae Variant Classification Sherloc (09022015). Collection method: clinical testing. Allele origin: germline.

Laboratory for Molecular Medicine, Mass General Brigham Personalized Medicine
Classification: Likely benign. Last evaluated: 2014-10-19. Review status: criteria provided, single submitter. Criteria: LMM Criteria. Collection method: clinical testing. Allele origin: germline. Observed: 1 variant allele.
Comment: c.4500+11C>T in intron 36 of OTOF: This variant is not expected to have clinical significance because it is not located within the splice consensus sequence.

Breakthrough Genomics
Classification: Likely benign. Review status: criteria provided, single submitter. Criteria: ACMG Guidelines, 2015. Collection method: not provided. Allele origin: germline. Inheritance: Autosomal recessive inheritance. Affected: yes.

NM_194248.3(OTOF):c.4500+11C>T

Gene: OTOF (otoferlin; minus strand). Cytogenetic location: 2p23.3.
Variant type: single nucleotide variant.
Coding change: c.4500+11C>T on transcript NM_194248.3 (MANE Select); 11 bases into the intron after coding-DNA position 4500, C replaced by T.
Molecular consequence: intron variant.
Genome position (GRCh38, 1-based): chr2:26,466,703, G>A on the plus strand (C>T on the coding strand, the complement: OTOF is on the minus strand). VCF-style: chr2-26466703-G-A. GRCh37 (hg19) VCF-style: chr2-26689571-G-A.
Other names: c.4500+11C>T (NM_001287489.2); c.2199+11C>T (NM_194323.3, NM_004802.4); c.2430+11C>T (NM_194322.3).
Identifiers: ClinVar variation 164842 (VCV000164842.9), dbSNP rs727503353, ClinGen allele CA177542.